The following is an entry in ClinVar:

ClinVar aggregate classification (germline): Uncertain significance. Review status: criteria provided, multiple submitters, no conflicts (2 of 4 stars). 2 submissions from 2 submitters: Uncertain significance (2). Last evaluated 2025-03-10.

Conditions:
Inborn genetic diseases. Identifiers: MedGen C0950123, MeSH D030342.

Allele frequency attached by ClinVar (database versions not stated): gnomAD exomes below 0.00001; gnomAD 0.00001.
gnomAD v4.1: 4 of 1,613,990 alleles (0.00025%); highest among the groups gnomAD compares: Non-Finnish European, 0.00017%; no homozygotes.

Submissions (2):

Ambry Genetics
Classification: Uncertain significance for Inborn genetic diseases. Last evaluated: 2025-03-10. Review status: criteria provided, single submitter. Criteria: Ambry Variant Classification Scheme 2023. Collection method: clinical testing. Allele origin: germline.
Comment: The c.1258+3A>G intronic variant results from an A to G substitution 3 nucleotides after coding exon 4 in the MBD4 gene. This nucleotide position is highly conserved in available vertebrate species. In silico splice site analysis predicts that this alteration will weaken the native splice donor site. RNA studies have demonstrated that this alteration results in a transcript predicted to lead to a protein with an in-frame deletion of 25 amino acids; however, the exact functional impact of the deleted amino acids is unknown at this time (Ambry internal data). Based on the available evidence, the clinical significance of this variant remains unclear.

Labcorp Genetics (formerly Invitae), Labcorp
Classification: Uncertain significance. Last evaluated: 2023-12-18. Review status: criteria provided, single submitter. Criteria: Invitae Variant Classification Sherloc (09022015). Collection method: clinical testing. Allele origin: germline.
Comment: This sequence change falls in intron 4 of the MBD4 gene. It does not directly change the encoded amino acid sequence of the MBD4 protein. It affects a nucleotide within the consensus splice site. This variant is present in population databases (no rsID available, gnomAD 0.0008%). This variant has not been reported in the literature in individuals affected with MBD4-related conditions. Variants that disrupt the consensus splice site are a relatively common cause of aberrant splicing (PMID: 17576681, 9536098). Algorithms developed to predict the effect of sequence changes on RNA splicing suggest that this variant may disrupt the consensus splice site. In summary, the available evidence is currently insufficient to determine the role of this variant in disease. Therefore, it has been classified as a Variant of Uncertain Significance.

Literature cited by the submitters: PubMed 17576681 (cited by Labcorp Genetics (formerly Invitae), Labcorp); PubMed 9536098 (cited by Labcorp Genetics (formerly Invitae), Labcorp).

NM_001276270.2(MBD4):c.1258+3A>G

Gene: MBD4 (methyl-CpG binding domain 4, DNA glycosylase; minus strand). Cytogenetic location: 3q21.3.
Variant type: single nucleotide variant.
Coding change: c.1258+3A>G on transcript NM_001276270.2 (MANE Select); 3 bases into the intron after coding-DNA position 1258, A replaced by G.
Molecular consequence: intron variant.
Genome position (GRCh38, 1-based): chr3:129,434,059, T>C on the plus strand (A>G on the coding strand, the complement: MBD4 is on the minus strand). VCF-style: chr3-129434059-T-C. GRCh37 (hg19) VCF-style: chr3-129152902-T-C.
Other names: c.322+3A>G (NM_001276273.2); c.1276+3A>G (NM_001276272.2, NM_003925.3, NM_001276271.2).
Identifiers: ClinVar variation 2880663 (VCV002880663.2), dbSNP rs1050150072, ClinGen allele CA82634334.